The following is an entry in ClinVar:

NM_007294.4(BRCA1):c.1298C>T (p.Ala433Val)

Gene: BRCA1 (BRCA1 DNA repair associated; minus strand). Cytogenetic location: 17q21.31.
Variant type: single nucleotide variant.
Coding change: c.1298C>T on transcript NM_007294.4 (MANE Select); coding-DNA position 1298, C replaced by T.
Protein change: p.Ala433Val; replaces alanine 433 with valine.
Molecular consequence: missense variant. On other transcripts: intron variant (137).
Genome position (GRCh38, 1-based): chr17:43,094,233, G>A on the plus strand (C>T on the coding strand, the complement: BRCA1 is on the minus strand). VCF-style: chr17-43094233-G-A. GRCh37 (hg19) VCF-style: chr17-41246250-G-A.
Other names: c.1085C>T, p.Ala362Val (NM_001407571.1, NM_001407853.1, NM_001407894.1 and 9 more transcripts); c.1298C>T, p.Ala433Val (NM_001407581.1, NM_001407582.1, NM_001407583.1 and 30 more transcripts); c.1295C>T, p.Ala432Val (NM_001407587.1, NM_001407590.1, NM_001407591.1 and 22 more transcripts); c.1289C>T, p.Ala430Val (NM_001407646.1, NM_001407647.1); c.1175C>T, p.Ala392Val (NM_001407648.1, NM_001407664.1, NM_001407665.1 and 19 more transcripts); c.1172C>T, p.Ala391Val (NM_001407649.1, NM_001407670.1, NM_001407671.1 and 11 more transcripts); c.1220C>T, p.Ala407Val (NM_001407653.1, NM_001407654.1, NM_001407655.1 and 4 more transcripts); c.1217C>T, p.Ala406Val (NM_001407659.1, NM_001407660.1, NM_001407661.1 and 1 more transcripts); and 40 more; short protein forms A265V, A321V, A362V, A365V, A385V, A386V, A407V, A430V.
Identifiers: ClinVar variation 1769270 (VCV001769270.6), dbSNP rs2552217520, ClinGen allele CA10599457.

ClinVar aggregate classification (germline): Conflicting classifications of pathogenicity. Review status: criteria provided, conflicting classifications (1 of 4 stars). 3 submissions from 3 submitters: Uncertain significance (2); Likely benign (1). Last evaluated 2024-05-14.

Conditions:
Hereditary cancer-predisposing syndrome. Also called: Hereditary Cancer Syndrome; Hereditary neoplastic syndrome; Neoplastic Syndromes, Hereditary; Tumor predisposition. Identifiers: Orphanet 140162, MedGen C0027672, MeSH D009386, MONDO:0015356.
Hereditary breast ovarian cancer syndrome. Also called: Hereditary breast and ovarian cancer; BRCA1- and BRCA2-Associated Hereditary Breast and Ovarian Cancer; Hereditary breast and ovarian cancer syndrome (HBOC); Hereditary breast and ovarian cancer syndrome; Breast and ovarian cancer; Hereditary breast and/or ovarian cancer syndrome. Identifiers: Orphanet 145, MedGen C0677776, MeSH D061325, MONDO:0003582. Disease mechanism: loss of function.

Submissions (3):

Labcorp Genetics (formerly Invitae), Labcorp
Classification: Uncertain significance for Hereditary breast ovarian cancer syndrome. Last evaluated: 2024-05-14. Review status: criteria provided, single submitter. Criteria: Invitae Variant Classification Sherloc (09022015). Collection method: clinical testing. Allele origin: germline.
Comment: This sequence change replaces alanine, which is neutral and non-polar, with valine, which is neutral and non-polar, at codon 433 of the BRCA1 protein (p.Ala433Val). This variant is not present in population databases (gnomAD no frequency). This variant has not been reported in the literature in individuals affected with BRCA1-related conditions. ClinVar contains an entry for this variant (Variation ID: 1769270). Advanced modeling of protein sequence and biophysical properties (such as structural, functional, and spatial information, amino acid conservation, physicochemical variation, residue mobility, and thermodynamic stability) performed at Invitae indicates that this missense variant is not expected to disrupt BRCA1 protein function with a negative predictive value of 95%. In summary, the available evidence is currently insufficient to determine the role of this variant in disease. Therefore, it has been classified as a Variant of Uncertain Significance.

University of Washington Department of Laboratory Medicine, University of Washington
Classification: Likely benign for Hereditary cancer-predisposing syndrome. Last evaluated: 2023-03-23. Review status: criteria provided, single submitter. Criteria: Dines et al. (Genet Med. 2020). Collection method: curation. Allele origin: germline.
Comment: Missense variant in a coldspot region where missense variants are very unlikely to be pathogenic (PMID:31911673).

BRCA1 coldspot (exon 11 using historical exon numbering). Reclassification based on statistical prior probability

Ambry Genetics
Classification: Uncertain significance for Hereditary cancer-predisposing syndrome. Last evaluated: 2021-09-21. Review status: criteria provided, single submitter. Criteria: Ambry Variant Classification Scheme 2023. Collection method: clinical testing. Allele origin: germline.
Comment: The p.A433V variant (also known as c.1298C>T), located in coding exon 9 of the BRCA1 gene, results from a C to T substitution at nucleotide position 1298. The alanine at codon 433 is replaced by valine, an amino acid with similar properties. This amino acid position is conserved. In addition, the in silico prediction for this alteration is inconclusive. Since supporting evidence is limited at this time, the clinical significance of this alteration remains unclear.